The following is an entry in ClinVar:

ClinVar aggregate classification (germline): Pathogenic (1 of 4 stars; one submission).

Submission:

GeneDx
Classification: Pathogenic. Last evaluated: 2024-03-14. Review status: criteria provided, single submitter. Criteria: GeneDx Variant Classification Process June 2021. Collection method: clinical testing. Allele origin: germline. Affected: yes.
Comment: Nonsense variant predicted to result in protein truncation or nonsense mediated decay in a gene for which loss-of-function is a known mechanism of disease; Not observed at significant frequency in large population cohorts (gnomAD); Has not been previously published as pathogenic or benign to our knowledge; This variant is associated with the following publications: (PMID: 27535533)

NM_015335.5(MED13L):c.553C>T (p.Gln185Ter)

Gene: MED13L (mediator complex subunit 13L; minus strand). Cytogenetic location: 12q24.21.
Variant type: single nucleotide variant.
Coding change: c.553C>T on transcript NM_015335.5 (MANE Select); coding-DNA position 553, C replaced by T.
Protein change: p.Gln185Ter; replaces glutamine 185 with a stop codon.
Molecular consequence: nonsense.
Genome position (GRCh38, 1-based): chr12:116,022,528, G>A on the plus strand (C>T on the coding strand, the complement: MED13L is on the minus strand). VCF-style: chr12-116022528-G-A. GRCh37 (hg19) VCF-style: chr12-116460333-G-A.
Other names: short protein forms Q185*.
Identifiers: ClinVar variation 1254719 (VCV001254719.3), dbSNP rs2137446910, ClinGen allele CA386872276.